The following is an entry in ClinVar:

ClinVar aggregate classification (germline): Benign (1 of 4 stars; one submission).

Allele frequency attached by ClinVar (database versions not stated): gnomAD 0.00002 and 0.00003; TOPMed 0.00006; ExAC 0.00008; ESP Exome Variant Server 0.00008; gnomAD exomes 0.00010 and 0.00011.
gnomAD v4.1: 145 of 1,612,796 alleles (0.009%); highest among the groups gnomAD compares: Admixed American, 0.042%; no homozygotes.

Submission:

GeneDx
Classification: Benign. Last evaluated: 2015-05-14. Review status: criteria provided, single submitter. Criteria: GeneDx Variant Classification (06012015). Collection method: clinical testing. Allele origin: germline. Affected: yes.
Comment: This variant is considered likely benign or benign based on one or more of the following criteria: it is a conservative change, it occurs at a poorly conserved position in the protein, it is predicted to be benign by multiple in silico algorithms, and/or has population frequency not consistent with disease.

NM_005431.2(XRCC2):c.-48G>A

Gene: XRCC2 (X-ray repair cross complementing 2; minus strand). Cytogenetic location: 7q36.1.
Variant type: single nucleotide variant.
Coding change: c.-48G>A on transcript NM_005431.2 (MANE Select); 48 bases upstream of the start codon, G replaced by A.
Molecular consequence: 5 prime UTR variant.
Genome position (GRCh38, 1-based): chr7:152,676,127, C>T on the plus strand (G>A on the coding strand, the complement: XRCC2 is on the minus strand). VCF-style: chr7-152676127-C-T. GRCh37 (hg19) VCF-style: chr7-152373212-C-T.
Identifiers: ClinVar variation 378863 (VCV000378863.1), dbSNP rs372428897, ClinGen allele CA4582464.
Genomic context (GRCh38, chr7:152,676,127, plus strand): 5'-AGGCACTACACATCGCCCCGAAGGCTCGGCGCAGGAGAGACTCAACTTTCCCGCCACCAA[C>T]GCCATTCACCAACTGCGCAGACTCTACGGCCAGTCAAACCCGCCCACCCGCGCGCGTGCG-3'